The following is an entry in ClinVar:

NM_013436.5(NCKAP1):c.3346T>A (p.Tyr1116Asn)

Gene: NCKAP1 (NCK associated protein 1; minus strand). Cytogenetic location: 2q32.1.
Variant type: single nucleotide variant.
Coding change: c.3346T>A on transcript NM_013436.5 (MANE Select); coding-DNA position 3346, T replaced by A.
Protein change: p.Tyr1116Asn; replaces tyrosine 1116 with asparagine.
Molecular consequence: missense variant.
Genome position (GRCh38, 1-based): chr2:182,925,743, A>T on the plus strand (T>A on the coding strand, the complement: NCKAP1 is on the minus strand). VCF-style: chr2-182925743-A-T. GRCh37 (hg19) VCF-style: chr2-183790471-A-T.
Other names: c.3364T>A, p.Tyr1122Asn (NM_205842.3); short protein forms Y1116N, Y1122N.
Identifiers: ClinVar variation 1699620 (VCV001699620.3), dbSNP rs1249597061, ClinGen allele CA349753404.

ClinVar aggregate classification (germline): Uncertain significance. Review status: criteria provided, multiple submitters, no conflicts (2 of 4 stars). 2 submissions from 2 submitters: Uncertain significance (2). Last evaluated 2025-02-16.

Allele frequency attached by ClinVar (database versions not stated): TOPMed below 0.00001; gnomAD 0.00001.
gnomAD v4.1: 1 of 1,590,678 alleles (0.000063%); highest among the groups gnomAD compares: Non-Finnish European, 0.000086%; no homozygotes.

Submissions (2):

Laboratory of Genetics, Children's Clinical University Hospital Latvia
Classification: Uncertain significance. Last evaluated: 2025-02-16. Review status: criteria provided, single submitter. Criteria: ACMG Guidelines, 2015. Collection method: clinical testing. Allele origin: germline. Affected: yes.

GeneDx
Classification: Uncertain significance. Last evaluated: 2022-01-27. Review status: criteria provided, single submitter. Criteria: GeneDx Variant Classification Process June 2021. Collection method: clinical testing. Allele origin: germline. Affected: yes.
Comment: Not observed at significant frequency in large population cohorts (gnomAD); In silico analysis supports that this missense variant has a deleterious effect on protein structure/function; Has not been previously published as pathogenic or benign to our knowledge